The following is an entry in ClinVar:

NM_016507.4(CDK12):c.3305T>C (p.Ile1102Thr)

Gene: CDK12 (cyclin dependent kinase 12; plus strand). Cytogenetic location: 17q12.
Variant type: single nucleotide variant.
Coding change: c.3305T>C on transcript NM_016507.4 (MANE Select); coding-DNA position 3305, T replaced by C.
Protein change: p.Ile1102Thr; replaces isoleucine 1102 with threonine.
Molecular consequence: missense variant.
Genome position (GRCh38, 1-based): chr17:39,524,883, T>C. VCF-style: chr17-39524883-T-C. GRCh37 (hg19) VCF-style: chr17-37681136-T-C.
Other names: c.3305T>C, p.Ile1102Thr (NM_015083.4); short protein forms I1102T.
Identifiers: ClinVar variation 4825941 (VCV004825941.1).

ClinVar aggregate classification (germline): Uncertain significance (1 of 4 stars; one submission).

Submission:

Ambry Genetics
Classification: Uncertain significance. Last evaluated: 2026-03-02. Review status: criteria provided, single submitter. Criteria: Ambry Variant Classification Scheme 2023. Collection method: clinical testing. Allele origin: germline.
Comment: The p.I1102T variant (also known as c.3305T>C), located in coding exon 12 of the CDK12 gene, results from a T to C substitution at nucleotide position 3305. The isoleucine at codon 1102 is replaced by threonine, an amino acid with similar properties. This amino acid position is conserved. In addition, this alteration is predicted to be tolerated by in silico analysis. Based on the available evidence, the clinical significance of this variant remains unclear.